The following is an entry in ClinVar:

ClinVar aggregate classification (germline): Uncertain significance (1 of 4 stars; one submission).

Conditions:
Exostoses, multiple, type 2 (EXT2). Also called: Hereditary Multiple Osteochondromatosis, Type II; EXOSTOSES, MULTIPLE, TYPE II. Identifiers: Orphanet 321, MedGen C1851413, MONDO:0007586, OMIM 133701.

gnomAD v4.1: 1 of 1,614,172 alleles (0.000062%); highest among the groups gnomAD compares: Non-Finnish European, 0.000085%; no homozygotes.

Submission:

Labcorp Genetics (formerly Invitae), Labcorp
Classification: Uncertain significance for Exostoses, multiple, type 2. Last evaluated: 2025-11-05. Review status: criteria provided, single submitter. Criteria: Invitae Variant Classification Sherloc (09022015). Collection method: clinical testing. Allele origin: germline.
Comment: This sequence change replaces tryptophan, which is neutral and slightly polar, with cysteine, which is neutral and slightly polar, at codon 358 of the EXT2 protein (p.Trp358Cys). This variant is present in population databases (no rsID available, gnomAD 0.0009%). This variant has not been reported in the literature in individuals affected with EXT2-related conditions. Invitae Evidence Modeling of protein sequence and biophysical properties (such as structural, functional, and spatial information, amino acid conservation, physicochemical variation, residue mobility, and thermodynamic stability) indicates that this missense variant is expected to disrupt EXT2 protein function with a positive predictive value of 95%. In summary, the available evidence is currently insufficient to determine the role of this variant in disease. Therefore, it has been classified as a Variant of Uncertain Significance.

NM_207122.2(EXT2):c.1074G>T (p.Trp358Cys)

Gene: EXT2 (exostosin glycosyltransferase 2; plus strand). Cytogenetic location: 11p11.2.
Variant type: single nucleotide variant.
Coding change: c.1074G>T on transcript NM_207122.2 (MANE Select); coding-DNA position 1074, G replaced by T.
Protein change: p.Trp358Cys; replaces tryptophan 358 with cysteine.
Molecular consequence: missense variant.
Genome position (GRCh38, 1-based): chr11:44,126,950, G>T. VCF-style: chr11-44126950-G-T. GRCh37 (hg19) VCF-style: chr11-44148500-G-T.
Other names: c.1173G>T, p.Trp391Cys (NM_000401.3); c.1074G>T, p.Trp358Cys (NM_001178083.3, NM_001389628.1, NM_001389630.1); short protein forms W391C, W358C.
Identifiers: ClinVar variation 4709574 (VCV004709574.1).